The following is an entry in ClinVar:

NM_000017.4(ACADS):c.721C>A (p.Leu241Ile)

Gene: ACADS (acyl-CoA dehydrogenase short chain; plus strand). Cytogenetic location: 12q24.31.
Variant type: single nucleotide variant.
Coding change: c.721C>A on transcript NM_000017.4 (MANE Select); coding-DNA position 721, C replaced by A.
Protein change: p.Leu241Ile; replaces leucine 241 with isoleucine.
Molecular consequence: missense variant.
Genome position (GRCh38, 1-based): chr12:120,738,376, C>A. VCF-style: chr12-120738376-C-A. GRCh37 (hg19) VCF-style: chr12-121176179-C-A.
Other names: c.709C>A, p.Leu237Ile (NM_001302554.2); short protein forms L237I, L241I.
Identifiers: ClinVar variation 2575010 (VCV002575010.1), dbSNP rs1479877981, ClinGen allele CA386600941.

ClinVar aggregate classification (germline): Uncertain significance (1 of 4 stars; one submission).

Allele frequency attached by ClinVar (database versions not stated): gnomAD exomes below 0.00001; TOPMed 0.00002.
gnomAD v4.1: 3 of 1,614,088 alleles (0.00019%); highest among the groups gnomAD compares: African/African-American, 0.004%; no homozygotes.

Submission:

GeneDx
Classification: Uncertain significance. Last evaluated: 2023-01-31. Review status: criteria provided, single submitter. Criteria: GeneDx Variant Classification Process June 2021. Collection method: clinical testing. Allele origin: germline. Affected: yes.
Comment: Not observed at significant frequency in large population cohorts (gnomAD); In silico analysis supports that this missense variant does not alter protein structure/function; Has not been previously published as pathogenic or benign to our knowledge